The following is an entry in ClinVar:

NM_007332.3(TRPA1):c.2106G>A (p.Val702=)

Genes: MSC-AS1 (MSC antisense RNA 1; plus strand), TRPA1 (transient receptor potential cation channel subfamily A member 1; minus strand). Cytogenetic location: 8q21.11.
Variant type: single nucleotide variant.
Coding change: c.2106G>A on transcript NM_007332.3 (MANE Select); coding-DNA position 2106, G replaced by A.
Protein change: p.Val702=; no amino-acid change (valine 702 retained).
Molecular consequence: synonymous variant.
Genome position (GRCh38, 1-based): chr8:72,039,753, C>T on the plus strand (G>A on the coding strand, the complement: TRPA1 is on the minus strand). VCF-style: chr8-72039753-C-T. GRCh37 (hg19) VCF-style: chr8-72951988-C-T.
Identifiers: ClinVar variation 4822371 (VCV004822371.4).
Genomic context (GRCh38, chr8:72,039,753, plus strand): 5'-CAGCATTAAACAAGAAATACTACTCAATACCCACCATTTCATGAGTAAATATTCTTTACA[C>T]ACAGGATGATTGAGAAGCTCTATGCGGTTATTTTGTACCATTGCCTGAGAAATAAAAAAA-3'
Protein context (NP_015628.2, residues 692-712): NNRIELLNHP[Val702=]CKEYLLMKWL

ClinVar aggregate classification (germline): Likely benign (1 of 4 stars; one submission).

Submission:

CeGaT Center for Human Genetics Tuebingen
Classification: Likely benign. Last evaluated: 2026-02-01. Review status: criteria provided, single submitter. Criteria: CeGaT Center For Human Genetics Tuebingen Variant Classification Criteria Version 2. Collection method: clinical testing. Allele origin: germline. Affected: yes. Observed: 1 variant allele.
Comment: TRPA1: PM2:Supporting, BP4, BP7